The following is an entry in ClinVar:

NM_000263.4(NAGLU):c.214_237del (p.Ala72_Gly79del)

Genes: NAGLU (N-acetyl-alpha-glucosaminidase; plus strand), LOC130060903 (ATAC-STARR-seq lymphoblastoid silent region 8533; plus strand). Cytogenetic location: 17q21.2.
Variant type: Deletion.
Coding change: c.214_237del on transcript NM_000263.4 (MANE Select); coding-DNA positions 214 to 237, 24 bases deleted (GCGGCGCGCGTGCGGGTGCGCGGC).
Protein change: p.Ala72_Gly79del.
Molecular consequence: inframe deletion.
Genome position (GRCh38, 1-based): chr17:42,536,486-42,536,509, GCGGCGCGCGTGCGGGTGCGCGGC deleted; deleting any 24 consecutive bases within chr17:42,536,481-42,536,509 gives the same sequence; the c. name uses the placement nearest the transcript's 3' end. VCF-style (leftmost placement, unchanged base first): chr17-42536480-GGCGGCGCGGCGCGCGTGCGGGTGC-G. GRCh37 (hg19) VCF-style: chr17-40688498-GGCGGCGCGGCGCGCGTGCGGGTGC-G.
Identifiers: ClinVar variation 574862 (VCV000574862.10), dbSNP rs1567890245, ClinGen allele CA891844534.

ClinVar aggregate classification (germline): Pathogenic/Likely pathogenic. Review status: criteria provided, multiple submitters, no conflicts (2 of 4 stars). 2 submissions from 2 submitters: Pathogenic (1); Likely pathogenic (1). Last evaluated 2024-04-20.

Conditions:
Mucopolysaccharidosis, MPS-III-B (MPS3B). Also called: MPS III B; MUCOPOLYSACCHARIDOSIS, TYPE IIIB; N-ACETYL-ALPHA-D-GLUCOSAMINIDASE DEFICIENCY; NAGLU DEFICIENCY; SANFILIPPO SYNDROME B; Mucopolysaccharidosis type IIIB (Sanfilippo B). Identifiers: Orphanet 79270, MedGen C0086648, MONDO:0009656, OMIM 252920.
Charcot-Marie-Tooth disease axonal type 2V. Also called: CHARCOT-MARIE-TOOTH NEUROPATHY, TYPE 2V; CHARCOT-MARIE-TOOTH DISEASE, AXONAL, AUTOSOMAL DOMINANT, TYPE 2V. Identifiers: Orphanet 447964, MedGen C5569050, MONDO:0014665, OMIM 616491.

Submissions (2):

Fulgent Genetics
Classification: Likely pathogenic for Mucopolysaccharidosis, MPS-III-B; Charcot-Marie-Tooth disease axonal type 2V. Last evaluated: 2024-04-20. Review status: criteria provided, single submitter. Criteria: ACMG Guidelines, 2015. Collection method: clinical testing. Allele origin: germline.

Labcorp Genetics (formerly Invitae), Labcorp
Classification: Pathogenic for Charcot-Marie-Tooth disease axonal type 2V; Mucopolysaccharidosis, MPS-III-B. Last evaluated: 2023-03-27. Review status: criteria provided, single submitter. Criteria: Invitae Variant Classification Sherloc (09022015). Collection method: clinical testing. Allele origin: germline.
Comment: This variant, c.214_237del, results in the deletion of 8 amino acid(s) of the NAGLU protein (p.Ala72_Gly79del), but otherwise preserves the integrity of the reading frame. This variant is not present in population databases (gnomAD no frequency). This variant has been observed in individual(s) with clinical features of autosomal recessive mucopolysaccharidosis type III (PMID: 20852935). ClinVar contains an entry for this variant (Variation ID: 574862). This variant disrupts a region of the NAGLU protein in which other variant(s) (p.Val77Gly) have been determined to be pathogenic (PMID: 16151907, 30809705). This suggests that this is a clinically significant region of the protein, and that variants that disrupt it are likely to be disease-causing. For these reasons, this variant has been classified as Pathogenic.

Literature cited by the submitters: PubMed 20852935 (cited by Labcorp Genetics (formerly Invitae), Labcorp); PubMed 16151907 (cited by Labcorp Genetics (formerly Invitae), Labcorp); PubMed 30809705 (cited by Labcorp Genetics (formerly Invitae), Labcorp).